The following is an entry in ClinVar:

NM_001101.5(ACTB):c.541_555del (p.Ala181_Leu185del)

Gene: ACTB (actin beta; minus strand). Cytogenetic location: 7p22.1.
Variant type: Deletion.
Coding change: c.541_555del on transcript NM_001101.5 (MANE Select); coding-DNA positions 541 to 555, 15 bases deleted (GCTGGCCGGGACCTG).
Protein change: p.Ala181_Leu185del.
Molecular consequence: inframe deletion.
Genome position (GRCh38, 1-based): chr7:5,528,528-5,528,542, CAGGTCCCGGCCAGC deleted on the plus strand (GCTGGCCGGGACCTG on the coding strand, the reverse complement: ACTB is on the minus strand); deleting any 15 consecutive bases within chr7:5,528,528-5,528,549 gives the same sequence; the c. name uses the placement nearest the transcript's 3' end. VCF-style (leftmost placement, unchanged base first): chr7-5528527-TCAGGTCCCGGCCAGC-T. GRCh37 (hg19) VCF-style: chr7-5568158-TCAGGTCCCGGCCAGC-T.
Identifiers: ClinVar variation 4714529 (VCV004714529.1).

ClinVar aggregate classification (germline): Uncertain significance (1 of 4 stars; one submission).

Conditions:
Baraitser-Winter syndrome 1 (BRWS1). Also called: BARAITSER-WINTER SYNDROME 1, ATYPICAL; PACHYGYRIA, MENTAL RETARDATION, EPILEPSY, AND CHARACTERISTIC FACIES; MENTAL RETARDATION WITH EPILEPSY AND CHARACTERISTIC FACIES; Cerebrofrontofacial syndrome. Identifiers: Orphanet 2649, Orphanet 2995, MedGen C1855722, MONDO:0009470, OMIM 243310.

Submission:

Labcorp Genetics (formerly Invitae), Labcorp
Classification: Uncertain significance for Baraitser-Winter syndrome 1. Last evaluated: 2025-12-11. Review status: criteria provided, single submitter. Criteria: Invitae Variant Classification Sherloc (09022015). Collection method: clinical testing. Allele origin: germline.
Comment: This variant, c.541_555del, results in the deletion of 5 amino acid(s) of the ACTB protein (p.Ala181_Leu185del), but otherwise preserves the integrity of the reading frame. This variant is not present in population databases (gnomAD no frequency). This variant has not been reported in the literature in individuals affected with ACTB-related conditions. Experimental studies and prediction algorithms are not available or were not evaluated, and the functional significance of this variant is currently unknown. In summary, the available evidence is currently insufficient to determine the role of this variant in disease. Therefore, it has been classified as a Variant of Uncertain Significance.